The following is an entry in ClinVar:

NM_000352.6(ABCC8):c.405G>C (p.Leu135=)

Gene: ABCC8 (ATP binding cassette subfamily C member 8; minus strand). Cytogenetic location: 11p15.1.
Variant type: single nucleotide variant.
Coding change: c.405G>C on transcript NM_000352.6 (MANE Select); coding-DNA position 405, G replaced by C.
Protein change: p.Leu135=; no amino-acid change (leucine 135 retained).
Molecular consequence: synonymous variant. On other transcripts: non-coding transcript variant (1).
Genome position (GRCh38, 1-based): chr11:17,470,108, C>G on the plus strand (G>C on the coding strand, the complement: ABCC8 is on the minus strand). VCF-style: chr11-17470108-C-G. GRCh37 (hg19) VCF-style: chr11-17491655-C-G.
Other names: c.405G>C, p.Leu135= (NM_001287174.3, NM_001351295.2, NM_001351296.2 and 1 more transcripts).
Identifiers: ClinVar variation 798819 (VCV000798819.10), dbSNP rs1591916038, ClinGen allele CA473301517.

ClinVar aggregate classification (germline): Conflicting classifications of pathogenicity. Review status: criteria provided, conflicting classifications (1 of 4 stars). 3 submissions from 2 submitters: Uncertain significance (2); Likely benign (1). Last evaluated 2018-12-11.

Conditions:
Transitory neonatal diabetes mellitus. Also called: Transient neonatal diabetes mellitus. Identifiers: MedGen C0342273, MONDO:0020525, HP:0008255.
Maturity-onset diabetes of the young (MODY). Also called: Maturity onset diabetes mellitus in young. Identifiers: Orphanet 552, MedGen C0342276, MONDO:0018911, HP:0004904.

Submissions (3):

Labcorp Genetics (formerly Invitae), Labcorp
Classification: Likely benign. Last evaluated: 2018-12-11. Review status: criteria provided, single submitter. Criteria: Invitae Variant Classification Sherloc (09022015). Collection method: clinical testing. Allele origin: germline.

Clinical Genomics, Uppaluri K&H Personalized Medicine Clinic
Classification: Uncertain significance for Maturity-onset diabetes of the young. Review status: criteria provided, single submitter. Criteria: K & H Uppaluri Personalized Medicine Clinic Variant Classification & Assertion Criteria_Updated V.1. Collection method: research. Allele origin: unknown. Inheritance: Somatic mutation.
Comment: Mutations in ABCC8 gene are associated with both neonatal diabetes mellitus as well as MODY. Patients with this mutation may have a better response to sulfonylureas. However, no sufficient evidence is found to ascertain the role of this particular variant ( rs1591916038) in MODY yet.

Clinical Genomics, Uppaluri K&H Personalized Medicine Clinic
Classification: Uncertain significance for Transitory neonatal diabetes mellitus. Review status: criteria provided, single submitter. Criteria: K & H Uppaluri Personalized Medicine Clinic Variant Classification & Assertion Criteria_Updated V.1. Collection method: research. Allele origin: unknown. Inheritance: Somatic mutation.
Comment: Mutations in ABCC8 gene are associated with both neonatal diabetes mellitus as well as MODY. Patients with this mutation may have a better response to sulfonylureas. However, no sufficient evidence is found to ascertain the role of this particular variant ( rs1591916038) in neonatal diabetes yet.

Literature cited by the submitters: PubMed 16885549 (cited by Clinical Genomics, Uppaluri K&H Personalized Medicine Clinic); PubMed 21989597 (cited by Clinical Genomics, Uppaluri K&H Personalized Medicine Clinic); PubMed 27538677 (cited by Clinical Genomics, Uppaluri K&H Personalized Medicine Clinic); PubMed 18981553 (cited by Clinical Genomics, Uppaluri K&H Personalized Medicine Clinic); PubMed 32027066 (cited by Clinical Genomics, Uppaluri K&H Personalized Medicine Clinic); PubMed 16613899 (cited by Clinical Genomics, Uppaluri K&H Personalized Medicine Clinic); PubMed 18025408 (cited by Clinical Genomics, Uppaluri K&H Personalized Medicine Clinic); PubMed 32792356 (cited by Clinical Genomics, Uppaluri K&H Personalized Medicine Clinic).